The following is an entry in ClinVar:

ClinVar aggregate classification (germline): Likely pathogenic. Review status: criteria provided, multiple submitters, no conflicts (2 of 4 stars). 2 submissions from 2 submitters: Likely pathogenic (2). Last evaluated 2022-02-11.

Conditions:
PERCHING syndrome (PERCHING). Also called: Cold-induced sweating syndrome 3. Identifiers: Orphanet 157820, Orphanet 603684, MedGen C4310742, MONDO:0014890, OMIM 617055.

Submissions (2):

Centre for Human Genetics, University of Kinshasa
Classification: Likely pathogenic for PERCHING syndrome. Last evaluated: 2022-02-11. Review status: criteria provided, single submitter. Criteria: ACMG Guidelines, 2015. Collection method: clinical testing. Allele origin: unknown. Inheritance: Autosomal recessive inheritance. Affected: yes. Observed: 1 compound heterozygote.
Comment: The KLHL7 c.944delG (p.Ser315ThrfsTer23) variant results in a frameshift and is predicted to result in premature termination or absence of the protein. A literature search was performed for the gene, cDNA change, and amino acid change. No publications were found based on this search. The p.Ser315ThrfsTer23 variant is not found in the Genome Aggregation Database in a region of good sequence coverage, so the variant is presumed to be rare. Based on the variant consequence, its rarity, and application of the ACMG criteria, the p.Ser315ThrfsTer23 variant is classified as likely pathogenic for PERCHING syndrome.

Illumina Laboratory Services, Illumina
Classification: Likely pathogenic for PERCHING syndrome. Last evaluated: 2021-04-29. Review status: criteria provided, single submitter. Criteria: ICSLVariantClassificationCriteria RUGD 01 April 2020. Collection method: clinical testing. Allele origin: unknown.
Comment: The KLHL7 c.944delG (p.Ser315ThrfsTer23) variant results in a frameshift and is predicted to result in premature termination or absence of the protein. A literature search was performed for the gene, cDNA change, and amino acid change. No publications were found based on this search. The p.Ser315ThrfsTer23 variant is not found in the Genome Aggregation Database in a region of good sequence coverage, so the variant is presumed to be rare. Based on the variant consequence, its rarity, and application of the ACMG criteria, the p.Ser315ThrfsTer23 variant is classified as likely pathogenic for PERCHING syndrome.

Literature cited by the submitters: PubMed 35670385 (cited by Centre for Human Genetics, University of Kinshasa).

NM_001031710.3(KLHL7):c.944del (p.Ser315fs)

Gene: KLHL7 (kelch like family member 7; plus strand). Cytogenetic location: 7p15.3.
Variant type: Deletion.
Coding change: c.944del on transcript NM_001031710.3 (MANE Select); coding-DNA position 944, one base deleted (G; older notation c.944delG).
Protein change: p.Ser315fs; shifts the reading frame from serine 315.
Molecular consequence: frameshift variant. On other transcripts: non-coding transcript variant (1).
Genome position (GRCh38, 1-based): chr7:23,165,705, G deleted. VCF-style (leftmost placement, unchanged base first): chr7-23165704-AG-A. GRCh37 (hg19) VCF-style: chr7-23205323-AG-A.
Other names: c.800del, p.Ser267fs (NM_018846.5); short protein forms S267fs, S315fs.
Identifiers: ClinVar variation 1341505 (VCV001341505.3), dbSNP rs2128469474, ClinGen allele CA2580076947.